The following is an entry in ClinVar:

NM_015178.3(RHOBTB2):c.691G>A (p.Ala231Thr)

Gene: RHOBTB2 (Rho related BTB domain containing 2; plus strand). Cytogenetic location: 8p21.3.
Variant type: single nucleotide variant.
Coding change: c.691G>A on transcript NM_015178.3 (MANE Select); coding-DNA position 691, G replaced by A.
Protein change: p.Ala231Thr; replaces alanine 231 with threonine.
Molecular consequence: missense variant.
Genome position (GRCh38, 1-based): chr8:23,006,936, G>A. VCF-style: chr8-23006936-G-A. GRCh37 (hg19) VCF-style: chr8-22864449-G-A.
Other names: c.757G>A, p.Ala253Thr (NM_001160036.2); c.712G>A, p.Ala238Thr (NM_001160037.2); c.691G>A, p.Ala231Thr (NM_001374791.1); short protein forms A253T, A231T, A238T.
Identifiers: ClinVar variation 2871205 (VCV002871205.3), dbSNP rs1402515074, ClinGen allele CA370564979.

ClinVar aggregate classification (germline): Uncertain significance (1 of 4 stars; one submission).

Allele frequency attached by ClinVar (database versions not stated): gnomAD exomes below 0.00001; TOPMed 0.00002.
gnomAD v4.1: 4 of 1,613,052 alleles (0.00025%); highest among the groups gnomAD compares: Admixed American, 0.0017%; no homozygotes.

Submission:

Labcorp Genetics (formerly Invitae), Labcorp
Classification: Uncertain significance. Last evaluated: 2025-03-16. Review status: criteria provided, single submitter. Criteria: Invitae Variant Classification Sherloc (09022015). Collection method: clinical testing. Allele origin: germline.
Comment: This sequence change replaces alanine, which is neutral and non-polar, with threonine, which is neutral and polar, at codon 253 of the RHOBTB2 protein (p.Ala253Thr). This variant is present in population databases (no rsID available, gnomAD 0.006%). This variant has not been reported in the literature in individuals affected with RHOBTB2-related conditions. ClinVar contains an entry for this variant (Variation ID: 2871205). Invitae Evidence Modeling of protein sequence and biophysical properties (such as structural, functional, and spatial information, amino acid conservation, physicochemical variation, residue mobility, and thermodynamic stability) has been performed for this missense variant. However, the output from this modeling did not meet the statistical confidence thresholds required to predict the impact of this variant on RHOBTB2 protein function. In summary, the available evidence is currently insufficient to determine the role of this variant in disease. Therefore, it has been classified as a Variant of Uncertain Significance.